The following is an entry in ClinVar:

ClinVar aggregate classification (germline): Uncertain significance. Review status: criteria provided, multiple submitters, no conflicts (2 of 4 stars). 4 submissions from 4 submitters: Uncertain significance (4). Last evaluated 2025-11-10.

Conditions:
Endometrial carcinoma. Also called: Endometrial carcinoma, somatic. Identifiers: MedGen C0476089, MONDO:0002447, OMIM 608089, HP:0012114.
Colorectal cancer, hereditary nonpolyposis, type 7. Identifiers: Orphanet 144, MedGen C1858380, MONDO:0013725, OMIM 614385.
Colorectal cancer. Also called: Malignant Colorectal Neoplasm; Colorectal cancer, somatic. Identifiers: MedGen C0346629, MONDO:0005575, OMIM 114500.

Allele frequency attached by ClinVar (database versions not stated): TOPMed below 0.00001; ExAC 0.00001; gnomAD exomes 0.00001.

Submissions (4):

Ambry Genetics
Classification: Uncertain significance. Last evaluated: 2025-11-10. Review status: criteria provided, single submitter. Criteria: Ambry Variant Classification Scheme 2023. Collection method: clinical testing. Allele origin: germline.
Comment: The p.I2M variant (also known as c.6C>G), located in coding exon 1 of the MLH3 gene, results from a C to G substitution at nucleotide position 6. The isoleucine at codon 2 is replaced by methionine, an amino acid with highly similar properties. This amino acid position is highly conserved in available vertebrate species. In addition, this alteration is predicted to be deleterious by in silico analysis. The evidence for this gene-disease relationship is limited; therefore, the clinical significance of this alteration is unclear.

Center for Genomic Medicine, Rigshospitalet, Copenhagen University Hospital
Classification: Uncertain significance. Last evaluated: 2025-03-04. Review status: criteria provided, single submitter. Criteria: ACMG Guidelines, 2015. Collection method: clinical testing. Allele origin: germline.

Fulgent Genetics
Classification: Uncertain significance for Colorectal cancer; Endometrial carcinoma; Colorectal cancer, hereditary nonpolyposis, type 7. Last evaluated: 2024-01-10. Review status: criteria provided, single submitter. Criteria: ACMG Guidelines, 2015. Collection method: clinical testing. Allele origin: germline.

Labcorp Genetics (formerly Invitae), Labcorp
Classification: Uncertain significance for Colorectal cancer, hereditary nonpolyposis, type 7. Last evaluated: 2023-03-21. Review status: criteria provided, single submitter. Criteria: Invitae Variant Classification Sherloc (09022015). Collection method: clinical testing. Allele origin: germline.
Comment: In summary, the available evidence is currently insufficient to determine the role of this variant in disease. Therefore, it has been classified as a Variant of Uncertain Significance. An algorithm developed to predict the effect of missense changes on protein structure and function (PolyPhen-2) suggests that this variant is likely to be disruptive. ClinVar contains an entry for this variant (Variation ID: 853472). This variant has not been reported in the literature in individuals affected with MLH3-related conditions. This variant is present in population databases (rs776416749, gnomAD 0.002%). This sequence change replaces isoleucine, which is neutral and non-polar, with methionine, which is neutral and non-polar, at codon 2 of the MLH3 protein (p.Ile2Met).

NM_001040108.2(MLH3):c.6C>G (p.Ile2Met)

Gene: MLH3 (mutL homolog 3; minus strand). Cytogenetic location: 14q24.3.
Variant type: single nucleotide variant.
Coding change: c.6C>G on transcript NM_001040108.2 (MANE Select); coding-DNA position 6, C replaced by G.
Protein change: p.Ile2Met; replaces isoleucine 2 with methionine.
Molecular consequence: missense variant.
Genome position (GRCh38, 1-based): chr14:75,049,650, G>C on the plus strand (C>G on the coding strand, the complement: MLH3 is on the minus strand). VCF-style: chr14-75049650-G-C. GRCh37 (hg19) VCF-style: chr14-75516353-G-C.
Other names: c.6C>G, p.Ile2Met (NM_014381.3); short protein forms I2M.
Identifiers: ClinVar variation 853472 (VCV000853472.15), dbSNP rs776416749, ClinGen allele CA7276102.
Genomic context (GRCh38, chr14:75,049,650, plus strand): 5'-CAAGGAGCTTATGGCCAAACCAGAACGCAATTTGGCTTGTACTTCAACTGACAAGCACTT[G>C]ATCATGGTAGGTAGAAAGATGGTGAGAATGCCAGGCACTGGTTTCCTTCTCTGACTGGAA-3'
Protein context (NP_001035197.1, residues 1-12): M[Ile2Met]KCLSVEVQAK